The following is an entry in ClinVar:

ClinVar aggregate classification (germline): Benign. Review status: criteria provided, multiple submitters, no conflicts (2 of 4 stars). 7 submissions from 7 submitters: Benign (4). 3 of the submissions do not count toward it. Last evaluated 2026-02-02.

Allele frequency attached by ClinVar (database versions not stated): gnomAD exomes 0.00258 and 0.00670; ExAC 0.00801; ESP Exome Variant Server 0.02568; gnomAD 0.02661 and 0.02860; 1000 Genomes Project 0.02955; TOPMed 0.02983; 1000 Genomes Project 30x 0.03310.
gnomAD v4.1: 7,972 of 1,614,056 alleles (0.49%); highest among the groups gnomAD compares: African/African-American, 9.2%; 354 homozygotes.

Submissions (7):

Labcorp Genetics (formerly Invitae), Labcorp
Classification: Benign. Last evaluated: 2026-02-02. Review status: criteria provided, single submitter. Criteria: Invitae Variant Classification Sherloc (09022015). Collection method: clinical testing. Allele origin: germline.

Women's Health and Genetics/Laboratory Corporation of America, LabCorp
Classification: Benign. Last evaluated: 2017-07-06. Review status: criteria provided, single submitter. Criteria: LabCorp Variant Classification Summary - May 2015. Collection method: clinical testing. Allele origin: germline.
Comment: Variant summary: The A2ML1 c.1109T>C (p.Phe370Ser) variant involves the alteration of a non-conserved nucleotide. 2/3 in silico tools predict a benign outcome for this variant (SNPsandGO not captured due to low reliability index). This variant was found in 967/120708 control chromosomes (48 homozygotes), predominantly observed in the African subpopulation at a frequency of 0.089778 (880/9802). This frequency is about 22444 times the estimated maximal expected allele frequency of a pathogenic A2ML1 variant (0.000004), thus it is a benign common polymorphism found primarily in the populations of African origin. In addition, one clinical diagnostic laboratory (via ClinVar) has classified this variant as benign. Taken together, this variant is classified as benign.

GeneDx
Classification: Benign. Last evaluated: 2016-12-22. Review status: criteria provided, single submitter. Criteria: GeneDx Variant Classification (06012015). Collection method: clinical testing. Allele origin: germline. Affected: yes.
Comment: This variant is considered likely benign or benign based on one or more of the following criteria: it is a conservative change, it occurs at a poorly conserved position in the protein, it is predicted to be benign by multiple in silico algorithms, and/or has population frequency not consistent with disease.

Breakthrough Genomics
Classification: Benign. Review status: criteria provided, single submitter. Criteria: ACMG Guidelines, 2015. Collection method: not provided. Allele origin: germline. Inheritance: Autosomal dominant inheritance. Affected: yes.

Clinical Genetics, Academic Medical Center
Classification: Benign. Review status: no assertion criteria provided. Collection method: clinical testing. Allele origin: germline. Affected: yes. Study: VKGL Data-share Consensus. Not counted in ClinVar's aggregate classification.

Institute of Molecular Pathology and Immunology of the University of Porto (IPATIMUP)
No classification provided. Review status: no classification provided. Collection method: not provided. Allele origin: germline. Not counted in ClinVar's aggregate classification.

Joint Genome Diagnostic Labs from Nijmegen and Maastricht, Radboudumc and MUMC+
Classification: Benign. Review status: no assertion criteria provided. Collection method: clinical testing. Allele origin: germline. Affected: yes. Study: VKGL Data-share Consensus. Not counted in ClinVar's aggregate classification.

Literature cited by the submitters: PubMed 24896146 (cited by Women's Health and Genetics/Laboratory Corporation of America, LabCorp).

NM_144670.6(A2ML1):c.1109T>C (p.Phe370Ser)

Gene: A2ML1 (alpha-2-macroglobulin like 1; plus strand). Cytogenetic location: 12p13.31.
Variant type: single nucleotide variant.
Coding change: c.1109T>C on transcript NM_144670.6 (MANE Select); coding-DNA position 1109, T replaced by C.
Protein change: p.Phe370Ser; replaces phenylalanine 370 with serine.
Molecular consequence: missense variant.
Genome position (GRCh38, 1-based): chr12:8,841,397, T>C. VCF-style: chr12-8841397-T-C. GRCh37 (hg19) VCF-style: chr12-8993993-T-C.
Other names: short protein forms F370S.
Identifiers: ClinVar variation 120251 (VCV000120251.17), dbSNP rs61744220, ClinGen allele CA230638.
Genomic context (GRCh38, chr12:8,841,397, plus strand): 5'-AATTCTAATCCGTAATGATCTTTGTCCTTCAGATAAGAGTTAGGGGCCATGATGACTCCT[T>C]CCTCAAGAACCATCTAGTGTTTCTGGTGATTTATGGCACAAATGGAACCTTCAACCAGAC-3'
Protein context (NP_653271.3, residues 360-380): KIRVRGHDDS[Phe370Ser]LKNHLVFLVI